The following is an entry in ClinVar:

NM_005908.4(MANBA):c.2015-87C>T

Gene: MANBA (mannosidase beta; minus strand). Cytogenetic location: 4q24.
Variant type: single nucleotide variant.
Coding change: c.2015-87C>T on transcript NM_005908.4 (MANE Select); 87 bases into the intron before coding-DNA position 2015, C replaced by T.
Molecular consequence: intron variant.
Genome position (GRCh38, 1-based): chr4:102,636,094, G>A on the plus strand (C>T on the coding strand, the complement: MANBA is on the minus strand). VCF-style: chr4-102636094-G-A. GRCh37 (hg19) VCF-style: chr4-103557251-G-A.
Identifiers: ClinVar variation 667469 (VCV000667469.2), dbSNP rs10027437, ClinGen allele CA11655388.

ClinVar aggregate classification (germline): Benign. Review status: criteria provided, multiple submitters, no conflicts (2 of 4 stars). 2 submissions from 2 submitters: Benign (2). Last evaluated 2018-06-19.

Allele frequency attached by ClinVar (database versions not stated): 1000 Genomes Project 0.53694; gnomAD 0.54057 and 0.54401; 1000 Genomes Project 30x 0.54669; TOPMed 0.54905.

Submissions (2):

GeneDx
Classification: Benign. Last evaluated: 2018-06-19. Review status: criteria provided, single submitter. Criteria: GeneDx Variant Classification (06012015). Collection method: clinical testing. Allele origin: germline. Affected: yes.
Comment: This variant is considered likely benign or benign based on one or more of the following criteria: it is a conservative change, it occurs at a poorly conserved position in the protein, it is predicted to be benign by multiple in silico algorithms, and/or has population frequency not consistent with disease.

Breakthrough Genomics
Classification: Benign. Review status: criteria provided, single submitter. Criteria: ACMG Guidelines, 2015. Collection method: not provided. Allele origin: germline. Inheritance: Autosomal recessive inheritance. Affected: yes.